The following is an entry in ClinVar:

NC_012920.1(MT-CYB):m.15197T>C

Gene: MT-CYB (mitochondrially encoded cytochrome b; plus strand).
Variant type: single nucleotide variant.
Genome position: chrM-15197-T-C.
Other names: MTCYB, 15197T-C, SER151PRO; S151P.
Identifiers: ClinVar variation 9682 (VCV000009682.3), dbSNP rs207460001, ClinGen allele CA120620.

ClinVar aggregate classification (germline): Uncertain significance. Review status: reviewed by expert panel (3 of 4 stars). 2 submissions from 2 submitters: Uncertain significance (1). 1 of the submissions does not count toward it. Last evaluated 2024-01-08.

Conditions:
Mitochondrial disease. Also called: Mitochondrial disorder; Mitochondrial disorders. Identifiers: Orphanet 68380, MedGen C0751651, MeSH D028361, MONDO:0044970.
Exercise intolerance. Identifiers: MedGen C0424551, HP:0003546.

Submissions (2):

ClinGen Mitochondrial Disease Nuclear and Mitochondrial  Variant Curation Expert Panel, ClinGen
Classification: Uncertain significance for Mitochondrial disease. Last evaluated: 2024-01-08. Review status: reviewed by expert panel. Criteria: clingen mito disease acmg specifications v1-1. Collection method: curation. Allele origin: germline. Inheritance: Mitochondrial inheritance.
Comment: This individual had exercise intolerance in early childhood and had the variant present at 80% heteroplasmy in muscle. The variant was undetectable in blood and skin fibroblasts. Complex III activity was reduced at 17% of controls in muscle, 28% in blood, and 50% in skin fibroblasts (PMID: 11454242). There are no reports of large families with this variant segregating with disease. There are no reported de novo occurrences of this variant to our knowledge. This variant is absent in the GenBank dataset, Helix dataset, and gnomAD v3.1.2 (PM2_supporting). The computational predictor APOGEE gives a consensus rating of pathogenic with a score of 0.72 (Min=0, Max=1), which predicts a damaging effect on gene function (PP3). There are no cybrids, single fiber studies, or other functional assays reported on this variant. In summary, this variant meets criteria to be classified as uncertain significance for primary mitochondrial disease inherited in a mitochondrial manner. This classification was approved by the NICHD/NINDS U24 ClinGen Mitochondrial Disease Variant Curation Expert Panel on January 8, 2024. Mitochondrial DNA-specific ACMG/AMP criteria applied (PMID: 32906214): PM2_supporting, PP3.

OMIM
Classification: Pathogenic for EXERCISE INTOLERANCE. Last evaluated: 2001-07-01. Review status: no assertion criteria provided. Collection method: literature only. Allele origin: germline. Not counted in ClinVar's aggregate classification.

Literature cited by the submitters: PubMed 11464242 (cited by OMIM).